The following is an entry in ClinVar:

NM_001876.4(CPT1A):c.1078G>A (p.Glu360Lys)

Gene: CPT1A (carnitine palmitoyltransferase 1A; minus strand). Cytogenetic location: 11q13.3.
Variant type: single nucleotide variant.
Coding change: c.1078G>A on transcript NM_001876.4 (MANE Select); coding-DNA position 1078, G replaced by A.
Protein change: p.Glu360Lys; replaces glutamic acid 360 with lysine.
Molecular consequence: missense variant.
Genome position (GRCh38, 1-based): chr11:68,784,900, C>T on the plus strand (G>A on the coding strand, the complement: CPT1A is on the minus strand). VCF-style: chr11-68784900-C-T. GRCh37 (hg19) VCF-style: chr11-68552368-C-T.
Other names: c.1078G>A, p.Glu360Lys (NM_001031847.3); short protein forms E360K.
Identifiers: ClinVar variation 3651650 (VCV003651650.2).

ClinVar aggregate classification (germline): Uncertain significance (1 of 4 stars; one submission).

Conditions:
Carnitine palmitoyl transferase 1A deficiency. Also called: Carnitine palmitoyltransferase type I deficiency; CPT deficiency, hepatic, type IA; Carnitine palmitoyltransferase 1A deficiency; CPT I DEFICIENCY; CPT DEFICIENCY, HEPATIC, TYPE I. Identifiers: Orphanet 156, MedGen C1829703, MONDO:0009705, OMIM 255120.

Submission:

Labcorp Genetics (formerly Invitae), Labcorp
Classification: Uncertain significance for Carnitine palmitoyl transferase 1A deficiency. Last evaluated: 2024-11-12. Review status: criteria provided, single submitter. Criteria: Invitae Variant Classification Sherloc (09022015). Collection method: clinical testing. Allele origin: germline.
Comment: This sequence change replaces glutamic acid, which is acidic and polar, with lysine, which is basic and polar, at codon 360 of the CPT1A protein (p.Glu360Lys). This variant is not present in population databases (gnomAD no frequency). This missense change has been observed in individual(s) with clinical features of carnitine palmitoyltransferase 1A deficiency (internal data). Invitae Evidence Modeling of protein sequence and biophysical properties (such as structural, functional, and spatial information, amino acid conservation, physicochemical variation, residue mobility, and thermodynamic stability) has been performed for this missense variant. However, the output from this modeling did not meet the statistical confidence thresholds required to predict the impact of this variant on CPT1A protein function. This variant disrupts the p.Glu360 amino acid residue in CPT1A. Other variant(s) that disrupt this residue have been observed in individuals with CPT1A-related conditions (PMID: 12111367), which suggests that this may be a clinically significant amino acid residue. In summary, the available evidence is currently insufficient to determine the role of this variant in disease. Therefore, it has been classified as a Variant of Uncertain Significance.

Literature cited by the submitters: PubMed 12111367.